The following is an entry in ClinVar:

ClinVar aggregate classification (germline): Uncertain significance (1 of 4 stars; one submission).

Conditions:
Hereditary pancreatitis (PCTT). Also called: Hereditary chronic pancreatitis; PRSS1-Related Hereditary Pancreatitis. Identifiers: Orphanet 676, MedGen C0238339, MONDO:0008185, OMIM 167800.

Submission:

Ambry Genetics
Classification: Uncertain significance for Hereditary pancreatitis. Last evaluated: 2024-05-07. Review status: criteria provided, single submitter. Criteria: Ambry Variant Classification Scheme 2023. Collection method: clinical testing. Allele origin: germline.
Comment: The p.D105N variant (also known as c.313G>A), located in coding exon 4 of the CTRC gene, results from a G to A substitution at nucleotide position 313. The aspartic acid at codon 105 is replaced by asparagine, an amino acid with highly similar properties. This amino acid position is conserved. In addition, this alteration is predicted to be tolerated by in silico analysis. Based on the available evidence, the clinical significance of this variant remains unclear.

NM_007272.3(CTRC):c.313G>A (p.Asp105Asn)

Gene: CTRC (chymotrypsin C; plus strand). Cytogenetic location: 1p36.21.
Variant type: single nucleotide variant.
Coding change: c.313G>A on transcript NM_007272.3 (MANE Select); coding-DNA position 313, G replaced by A.
Protein change: p.Asp105Asn; replaces aspartic acid 105 with asparagine.
Molecular consequence: missense variant.
Genome position (GRCh38, 1-based): chr1:15,442,529, G>A. VCF-style: chr1-15442529-G-A. GRCh37 (hg19) VCF-style: chr1-15769025-G-A.
Other names: short protein forms D105N.
Identifiers: ClinVar variation 3270192 (VCV003270192.1).
Genomic context (GRCh38, chr1:15,442,529, plus strand): 5'-GCCGTGGGAAAGAACAACCTGGAGGTGGAAGACGAAGAAGGATCCCTGTTTGTGGGTGTG[G>A]ACACCATCCACGTCCACAAGAGATGGAATGCCCTCCTGTTGCGGTGAGTGACAGACTGCC-3'
Protein context (NP_009203.2, residues 95-115): DEEGSLFVGV[Asp105Asn]TIHVHKRWNA